The following is an entry in ClinVar:

ClinVar aggregate classification (germline): Uncertain significance (1 of 4 stars; one submission).

Submission:

Labcorp Genetics (formerly Invitae), Labcorp
Classification: Uncertain significance. Last evaluated: 2024-10-25. Review status: criteria provided, single submitter. Criteria: Invitae Variant Classification Sherloc (09022015). Collection method: clinical testing. Allele origin: germline.
Comment: This sequence change replaces cysteine, which is neutral and slightly polar, with tryptophan, which is neutral and slightly polar, at codon 712 of the ABCC6 protein (p.Cys712Trp). This variant is not present in population databases (gnomAD no frequency). This variant has not been reported in the literature in individuals affected with ABCC6-related conditions. Invitae Evidence Modeling of protein sequence and biophysical properties (such as structural, functional, and spatial information, amino acid conservation, physicochemical variation, residue mobility, and thermodynamic stability) indicates that this missense variant is expected to disrupt ABCC6 protein function with a positive predictive value of 95%. In summary, the available evidence is currently insufficient to determine the role of this variant in disease. Therefore, it has been classified as a Variant of Uncertain Significance.

NM_001171.6(ABCC6):c.2136C>G (p.Cys712Trp)

Gene: ABCC6 (ATP binding cassette subfamily C member 6; minus strand). Cytogenetic location: 16p13.11.
Variant type: single nucleotide variant.
Coding change: c.2136C>G on transcript NM_001171.6 (MANE Select); coding-DNA position 2136, C replaced by G.
Protein change: p.Cys712Trp; replaces cysteine 712 with tryptophan.
Molecular consequence: missense variant. On other transcripts: non-coding transcript variant (1).
Genome position (GRCh38, 1-based): chr16:16,182,523, G>C on the plus strand (C>G on the coding strand, the complement: ABCC6 is on the minus strand). VCF-style: chr16-16182523-G-C. GRCh37 (hg19) VCF-style: chr16-16276380-G-C.
Other names: c.1794C>G, p.Cys598Trp (NM_001351800.1); short protein forms C598W, C712W.
Identifiers: ClinVar variation 3719366 (VCV003719366.2).